The following is an entry in ClinVar:

NM_030773.4(TUBB1):c.1092C>T (p.Ala364=)

Gene: TUBB1 (tubulin beta 1 class VI; plus strand). Cytogenetic location: 20q13.32.
Variant type: single nucleotide variant.
Coding change: c.1092C>T on transcript NM_030773.4 (MANE Select); coding-DNA position 1092, C replaced by T.
Protein change: p.Ala364=; no amino-acid change (alanine 364 retained).
Molecular consequence: synonymous variant.
Genome position (GRCh38, 1-based): chr20:59,024,519, C>T. VCF-style: chr20-59024519-C-T. GRCh37 (hg19) VCF-style: chr20-57599574-C-T.
Identifiers: ClinVar variation 4983216 (VCV004983216.1).

ClinVar aggregate classification (germline): Likely benign (1 of 4 stars; one submission).

Conditions:
TUBB1-related disorder. Also called: TUBB1-related condition.

gnomAD v4.1: 29 of 1,614,042 alleles (0.0018%); highest among the groups gnomAD compares: East Asian, 0.0022%; no homozygotes.

Submission:

PreventionGenetics, part of Exact Sciences
Classification: Likely benign for TUBB1-related condition. Last evaluated: 2025-03-25. Review status: criteria provided, single submitter. Criteria: ACMG Guidelines, 2015. Collection method: clinical testing. Allele origin: germline.
Comment: This variant is classified as likely benign based on ACMG/AMP sequence variant interpretation guidelines (Richards et al. 2015 PMID: 25741868, with internal and published modifications).